The following is an entry in ClinVar:

ClinVar aggregate classification (germline): Pathogenic. Review status: criteria provided, multiple submitters, no conflicts (2 of 4 stars). 3 submissions from 3 submitters: Pathogenic (3). Last evaluated 2022-07-05.

Conditions:
Marfan Syndrome/Loeys-Dietz Syndrome/Familial Thoracic Aortic Aneurysms and Dissections. Identifiers: MedGen CN229799.
Marfan syndrome (MFS). Also called: MARFAN SYNDROME, TYPE I; FBN1-Related Marfan Syndrome; Marfan syndrome, classic; Marfan syndrome type 1; Marfan's syndrome. Identifiers: Orphanet 284963, Orphanet 558, MedGen C0024796, MONDO:0007947, OMIM 154700.
Familial thoracic aortic aneurysm and aortic dissection (TAAD). Also called: Thoracic aortic aneurysms and dissections. Identifiers: Orphanet 91387, MedGen C4707243, MONDO:0019625.

Submissions (3):

Labcorp Genetics (formerly Invitae), Labcorp
Classification: Pathogenic for Marfan syndrome; Familial thoracic aortic aneurysm and aortic dissection. Last evaluated: 2022-07-05. Review status: criteria provided, single submitter. Criteria: Invitae Variant Classification Sherloc (09022015). Collection method: clinical testing. Allele origin: germline.
Comment: For these reasons, this variant has been classified as Pathogenic. Algorithms developed to predict the effect of sequence changes on RNA splicing suggest that this variant may disrupt the consensus splice site. ClinVar contains an entry for this variant (Variation ID: 200106). Disruption of this splice site has been observed in individuals with clinical features of Marfan syndrome (PMID: 26787436; Invitae). This variant is not present in population databases (gnomAD no frequency). This sequence change affects an acceptor splice site in intron 58 of the FBN1 gene. It is expected to disrupt RNA splicing. Variants that disrupt the donor or acceptor splice site typically lead to a loss of protein function (PMID: 16199547), and loss-of-function variants in FBN1 are known to be pathogenic (PMID: 17657824, 19293843).

Women's Health and Genetics/Laboratory Corporation of America, LabCorp
Classification: Pathogenic for Marfan Syndrome/Loeys-Dietz Syndrome/Familial Thoracic Aortic Aneurysms and Dissections. Last evaluated: 2021-03-15. Review status: criteria provided, single submitter. Criteria: LabCorp Variant Classification Summary - May 2015. Collection method: clinical testing. Allele origin: germline.
Comment: Variant summary: FBN1 c.7205-1G>A is located in a canonical splice-site and is predicted to affect mRNA splicing resulting in a significantly altered protein due to either exon skipping, shortening, or inclusion of intronic material. Several computational tools predict a significant impact on normal splicing: Four predict the variant abolishes the canonical 3' acceptor site. However, these predictions have yet to be confirmed by functional studies. The variant was absent in 250774 control chromosomes. c.7205-1G>A has been reported in the literature in at-least two individuals affected with Marfan Syndrome and as a de-novo occurrence in at-least one case (example, Gezdirici_2020, Franken_2016). These data indicate that the variant is likely to be associated with disease. To our knowledge, no experimental evidence demonstrating an impact on protein function has been reported. One clinical diagnostic laboratory has submitted clinical-significance assessments for this variant to ClinVar after 2014 without evidence for independent evaluation and classified the variant as likely pathogenic not citing the variant specific literature identified in the context of this evaluation. Based on the evidence outlined above, the variant was classified as pathogenic.

GeneDx
Classification: Pathogenic. Last evaluated: 2013-01-09. Review status: criteria provided, single submitter. Criteria: GeneDx Variant Classification (06012015). Collection method: clinical testing. Allele origin: germline. Affected: yes.
Comment: c.7205-1 G>A: IVS58-1 G>A in intron 58 of the FBN1 gene (NM_000138.4)Although the c.7205-1 G>A mutation has not been reported as a disease-causing mutation or as a benign polymorphism to our knowledge, this mutation destroys the canonical splice acceptor site in intron 58 and is predicted to cause abnormal gene splicing. The mutation is predicted to lead to either an abnormal message that is subject to nonsense-mediated mRNA decay, or to an abnormal protein product if the message is used for protein translation. Other splice site mutations in the FBN1 gene have been reported in association with Marfan syndrome. In summary, c.7205-1 G>A in the FBN1 gene is interpreted as a disease-causing mutation. The variant is found in TAAD panel(s).

Literature cited by the submitters: PubMed 26787436 (cited by Labcorp Genetics (formerly Invitae), Labcorp and Women's Health and Genetics/Laboratory Corporation of America, LabCorp); PubMed 16199547 (cited by Labcorp Genetics (formerly Invitae), Labcorp); PubMed 17657824 (cited by Labcorp Genetics (formerly Invitae), Labcorp); PubMed 19293843 (cited by Labcorp Genetics (formerly Invitae), Labcorp); PubMed 33483584 (cited by Women's Health and Genetics/Laboratory Corporation of America, LabCorp).

NM_000138.5(FBN1):c.7205-1G>A

Gene: FBN1 (fibrillin 1; minus strand). Cytogenetic location: 15q21.1.
Variant type: single nucleotide variant.
Coding change: c.7205-1G>A on transcript NM_000138.5 (MANE Select); the canonical splice acceptor site of the intron before coding-DNA position 7205, G replaced by A.
Molecular consequence: splice acceptor variant.
Genome position (GRCh38, 1-based): chr15:48,425,865, C>T on the plus strand (G>A on the coding strand, the complement: FBN1 is on the minus strand). VCF-style: chr15-48425865-C-T. GRCh37 (hg19) VCF-style: chr15-48718062-C-T.
Other names: c.7205-1G>A (NM_001406716.1).
Identifiers: ClinVar variation 200106 (VCV000200106.10), dbSNP rs794728266, ClinGen allele CA017097.